The following is an entry in ClinVar:

NM_002834.5(PTPN11):c.213T>G (p.Phe71Leu)

Gene: PTPN11 (protein tyrosine phosphatase non-receptor type 11; plus strand). Cytogenetic location: 12q24.13.
Variant type: single nucleotide variant.
Coding change: c.213T>G on transcript NM_002834.5 (MANE Select); coding-DNA position 213, T replaced by G.
Protein change: p.Phe71Leu; replaces phenylalanine 71 with leucine.
Molecular consequence: missense variant.
Genome position (GRCh38, 1-based): chr12:112,450,393, T>G. VCF-style: chr12-112450393-T-G. GRCh37 (hg19) VCF-style: chr12-112888197-T-G.
Other names: c.213T>G, p.Phe71Leu (NM_001330437.2, NM_080601.3); c.210T>G, p.Phe70Leu (NM_001374625.1); short protein forms F71L, F70L.
Identifiers: ClinVar variation 477670 (VCV000477670.17), dbSNP rs1555267558, ClinGen allele CA386777847.

ClinVar aggregate classification (germline): Pathogenic/Likely pathogenic. Review status: criteria provided, multiple submitters, no conflicts (2 of 4 stars). 4 submissions from 4 submitters: Pathogenic (3); Likely pathogenic (1). Last evaluated 2022-02-10.

Conditions:
PTPN11-related disorder. Also called: PTPN11-Related Disorders.
RASopathy. Also called: rasopathies; Noonan spectrum disorder. Identifiers: Orphanet 536391, MedGen C5555857, MONDO:0021060.

Submissions (4):

Labcorp Genetics (formerly Invitae), Labcorp
Classification: Pathogenic for RASopathy. Last evaluated: 2022-02-10. Review status: criteria provided, single submitter. Criteria: Invitae Variant Classification Sherloc (09022015). Collection method: clinical testing. Allele origin: germline.
Comment: This sequence change replaces phenylalanine, which is neutral and non-polar, with leucine, which is neutral and non-polar, at codon 71 of the PTPN11 protein (p.Phe71Leu). For these reasons, this variant has been classified as Pathogenic. Advanced modeling of protein sequence and biophysical properties (such as structural, functional, and spatial information, amino acid conservation, physicochemical variation, residue mobility, and thermodynamic stability) performed at Invitae indicates that this missense variant is expected to disrupt PTPN11 protein function. ClinVar contains an entry for this variant (Variation ID: 477670). This missense change has been observed in individual(s) with clinical features of PTPN11-related conditions (PMID: 12634870, 14644997, 18759865, 19737548, 25097206, 31040167). This variant is not present in population databases (gnomAD no frequency).

Mayo Clinic Laboratories, Mayo Clinic
Classification: Pathogenic. Last evaluated: 2020-09-15. Review status: criteria provided, single submitter. Criteria: ACMG Guidelines, 2015. Collection method: clinical testing. Allele origin: germline. Observed: 2 variant alleles.
Comment: PS1, PM5, PM6, PS4_supporting, PM1, PM2, PP2, PP3

Blueprint Genetics
Classification: Pathogenic for PTPN11-related disorders. Last evaluated: 2020-05-04. Review status: criteria provided, single submitter. Criteria: ACMG Guidelines, 2015. Collection method: clinical testing. Allele origin: germline. Affected: yes. Observed: 1 variant allele.

Eurofins Ntd Llc (ga)
Classification: Likely pathogenic. Last evaluated: 2017-05-08. Review status: criteria provided, single submitter. Criteria: EGL Classification Definitions 2015. Collection method: clinical testing. Allele origin: germline. Observed: 1 variant allele, 1 heterozygote.

Literature cited by the submitters: PubMed 12634870 (cited by 3 submitters); PubMed 14644997 (cited by Labcorp Genetics (formerly Invitae), Labcorp and Mayo Clinic Laboratories, Mayo Clinic); PubMed 18759865 (cited by 3 submitters); PubMed 19737548 (cited by Labcorp Genetics (formerly Invitae), Labcorp and Mayo Clinic Laboratories, Mayo Clinic); PubMed 25097206 (cited by Labcorp Genetics (formerly Invitae), Labcorp and Mayo Clinic Laboratories, Mayo Clinic); PubMed 31040167 (cited by Labcorp Genetics (formerly Invitae), Labcorp and Mayo Clinic Laboratories, Mayo Clinic); PubMed 24803665 (cited by Mayo Clinic Laboratories, Mayo Clinic); PubMed 26918529 (cited by Mayo Clinic Laboratories, Mayo Clinic); PubMed 32164556 (cited by Mayo Clinic Laboratories, Mayo Clinic).